The following is an entry in ClinVar:

ClinVar aggregate classification (germline): Uncertain significance (1 of 4 stars; one submission).

Submission:

GeneDx
Classification: Uncertain significance. Last evaluated: 2023-12-13. Review status: criteria provided, single submitter. Criteria: GeneDx Variant Classification Process June 2021. Collection method: clinical testing. Allele origin: germline. Affected: yes.
Comment: Not observed at significant frequency in large population cohorts (gnomAD); In silico analysis supports that this missense variant has a deleterious effect on protein structure/function; Has not been previously published as pathogenic or benign to our knowledge

NM_002235.5(KCNA6):c.842G>C (p.Arg281Pro)

Genes: KCNA6 (potassium voltage-gated channel subfamily A member 6; plus strand), KCNA6-AS1 (KCNA6 antisense RNA 1; minus strand). Cytogenetic location: 12p13.32.
Variant type: single nucleotide variant.
Coding change: c.842G>C on transcript NM_002235.5 (MANE Select); coding-DNA position 842, G replaced by C.
Protein change: p.Arg281Pro; replaces arginine 281 with proline.
Molecular consequence: missense variant. On other transcripts: non-coding transcript variant (3).
Genome position (GRCh38, 1-based): chr12:4,810,883, G>C. VCF-style: chr12-4810883-G-C. GRCh37 (hg19) VCF-style: chr12-4920049-G-C.
Other names: short protein forms R281P.
Identifiers: ClinVar variation 3365521 (VCV003365521.1).
Genomic context (GRCh38, chr12:4,810,883, plus strand): 5'-ACCCCTTCTTTCTGGTGGAGACGCTGTGCATTGTCTGGTTCACTTTTGAGCTCCTGGTGC[G>C]CTTCTCCGCCTGCCCTAGCAAGCCGGCCTTCTTCCGGAACATCATGAACATCATTGACTT-3'
Protein context (NP_002226.1, residues 271-291): IVWFTFELLV[Arg281Pro]FSACPSKPAF